The following is an entry in ClinVar:

ClinVar aggregate classification (germline): Benign. Review status: criteria provided, multiple submitters, no conflicts (2 of 4 stars). 3 submissions from 3 submitters: Benign (3). Last evaluated 2025-10-20.

Conditions:
Spastic paraplegia. Identifiers: MedGen C0037772, HP:0001258.

Allele frequency attached by ClinVar (database versions not stated): gnomAD exomes 0.00025 and 0.00235; ESP Exome Variant Server 0.00041; gnomAD 0.00337 and 0.00352; TOPMed 0.00354; 1000 Genomes Project 0.00359; ExAC 0.00432; 1000 Genomes Project 30x 0.00515.
gnomAD v4.1: 794 of 1,259,394 alleles (0.063%); highest among the groups gnomAD compares: African/African-American, 1.2%; 7 homozygotes.

Submissions (3):

Labcorp Genetics (formerly Invitae), Labcorp
Classification: Benign for Spastic paraplegia. Last evaluated: 2025-10-20. Review status: criteria provided, single submitter. Criteria: Invitae Variant Classification Sherloc (09022015). Collection method: clinical testing. Allele origin: germline.

CeGaT Center for Human Genetics Tuebingen
Classification: Benign. Last evaluated: 2022-11-01. Review status: criteria provided, single submitter. Criteria: CeGaT Center For Human Genetics Tuebingen Variant Classification Criteria Version 2. Collection method: clinical testing. Allele origin: germline. Affected: yes. Observed: 1 variant allele.
Comment: CYP2U1: PP2, BS1, BS2

Breakthrough Genomics
Classification: Benign. Review status: criteria provided, single submitter. Criteria: ACMG Guidelines, 2015. Collection method: not provided. Allele origin: germline. Inheritance: Autosomal recessive inheritance. Affected: yes.

NM_183075.3(CYP2U1):c.10C>T (p.Pro4Ser)

Genes: CYP2U1 (cytochrome P450 family 2 subfamily U member 1; plus strand), CYP2U1-AS1 (CYP2U1 and SGMS2 antisense RNA 1; minus strand). Cytogenetic location: 4q25.
Variant type: single nucleotide variant.
Coding change: c.10C>T on transcript NM_183075.3 (MANE Select); coding-DNA position 10, C replaced by T.
Protein change: p.Pro4Ser; replaces proline 4 with serine.
Molecular consequence: missense variant.
Genome position (GRCh38, 1-based): chr4:107,931,653, C>T. VCF-style: chr4-107931653-C-T. GRCh37 (hg19) VCF-style: chr4-108852809-C-T.
Other names: short protein forms P4S.
Identifiers: ClinVar variation 695323 (VCV000695323.33), dbSNP rs371029660, ClinGen allele CA3036955.